The following is an entry in ClinVar:

NM_139318.5(KCNH5):c.188G>T (p.Ser63Ile)

Gene: KCNH5 (potassium voltage-gated channel subfamily H member 5; minus strand). Cytogenetic location: 14q23.2.
Variant type: single nucleotide variant.
Coding change: c.188G>T on transcript NM_139318.5 (MANE Select); coding-DNA position 188, G replaced by T.
Protein change: p.Ser63Ile; replaces serine 63 with isoleucine.
Molecular consequence: missense variant.
Genome position (GRCh38, 1-based): chr14:63,016,840, C>A on the plus strand (G>T on the coding strand, the complement: KCNH5 is on the minus strand). VCF-style: chr14-63016840-C-A. GRCh37 (hg19) VCF-style: chr14-63483558-C-A.
Other names: c.188G>T (NM_139318.3); c.188G>T, p.Ser63Ile (NM_172375.3); short protein forms S63I.
Identifiers: ClinVar variation 2897030 (VCV002897030.4), dbSNP rs1278210174, ClinGen allele CA390106272.

ClinVar aggregate classification (germline): Uncertain significance. Review status: criteria provided, multiple submitters, no conflicts (2 of 4 stars). 2 submissions from 2 submitters: Uncertain significance (2). Last evaluated 2025-03-07.

Conditions:
Inborn genetic diseases. Identifiers: MedGen C0950123, MeSH D030342.
Early-infantile DEE. Also called: Ohtahara syndrome; Early infantile epileptic encephalopathy with suppression bursts; Early infantile epileptic encephalopathy. Identifiers: Orphanet 1934, MedGen C0393706, MONDO:0800491.

gnomAD v4.1: 5 of 1,609,670 alleles (0.00031%); highest among the groups gnomAD compares: Non-Finnish European, 0.00042%; no homozygotes.

Submissions (2):

Ambry Genetics
Classification: Uncertain significance for Inborn genetic diseases. Last evaluated: 2025-03-07. Review status: criteria provided, single submitter. Criteria: Ambry Variant Classification Scheme 2023. Collection method: clinical testing. Allele origin: germline.

Labcorp Genetics (formerly Invitae), Labcorp
Classification: Uncertain significance for Early-infantile DEE. Last evaluated: 2022-11-08. Review status: criteria provided, single submitter. Criteria: Invitae Variant Classification Sherloc (09022015). Collection method: clinical testing. Allele origin: germline.
Comment: This sequence change replaces serine, which is neutral and polar, with isoleucine, which is neutral and non-polar, at codon 63 of the KCNH5 protein (p.Ser63Ile). This variant is present in population databases (no rsID available, gnomAD 0.0009%). This variant has not been reported in the literature in individuals affected with KCNH5-related conditions. Advanced modeling of protein sequence and biophysical properties (such as structural, functional, and spatial information, amino acid conservation, physicochemical variation, residue mobility, and thermodynamic stability) performed at Invitae indicates that this missense variant is not expected to disrupt KCNH5 protein function. In summary, the available evidence is currently insufficient to determine the role of this variant in disease. Therefore, it has been classified as a Variant of Uncertain Significance.